The following is an entry in ClinVar:

ClinVar aggregate classification (germline): Uncertain significance (1 of 4 stars; one submission).

Conditions:
STAT3 gain of function. Identifiers: MedGen C4288261.
Hyper-IgE recurrent infection syndrome 1, autosomal dominant. Also called: STAT3 Hyper IgE Syndrome; Hyper-IgE recurrent infection syndrome 1; JOB SYNDROME; HYPER-IgE SYNDROME 1, AUTOSOMAL DOMINANT, WITH RECURRENT INFECTIONS; Job's Syndrome. Identifiers: Orphanet 2314, MedGen C2936739, MONDO:0007818, OMIM 147060.

Submission:

Labcorp Genetics (formerly Invitae), Labcorp
Classification: Uncertain significance for STAT3 gain of function; Hyper-IgE recurrent infection syndrome 1, autosomal dominant. Last evaluated: 2023-09-08. Review status: criteria provided, single submitter. Criteria: Invitae Variant Classification Sherloc (09022015). Collection method: clinical testing. Allele origin: germline.
Comment: In summary, the available evidence is currently insufficient to determine the role of this variant in disease. Therefore, it has been classified as a Variant of Uncertain Significance. Advanced modeling of protein sequence and biophysical properties (such as structural, functional, and spatial information, amino acid conservation, physicochemical variation, residue mobility, and thermodynamic stability) performed at Invitae indicates that this missense variant is not expected to disrupt STAT3 protein function. This variant has not been reported in the literature in individuals affected with STAT3-related conditions. This variant is not present in population databases (gnomAD no frequency). This sequence change replaces threonine, which is neutral and polar, with serine, which is neutral and polar, at codon 756 of the STAT3 protein (p.Thr756Ser).

NM_139276.3(STAT3):c.2266A>T (p.Thr756Ser)

Gene: STAT3 (signal transducer and activator of transcription 3; minus strand). Cytogenetic location: 17q21.2.
Variant type: single nucleotide variant.
Coding change: c.2266A>T on transcript NM_139276.3 (MANE Select); coding-DNA position 2266, A replaced by T.
Protein change: p.Thr756Ser; replaces threonine 756 with serine.
Molecular consequence: missense variant. On other transcripts: 3 prime UTR variant (7).
Genome position (GRCh38, 1-based): chr17:42,315,792, T>A on the plus strand (A>T on the coding strand, the complement: STAT3 is on the minus strand). VCF-style: chr17-42315792-T-A. GRCh37 (hg19) VCF-style: chr17-40467810-T-A.
Other names: c.2266A>T, p.Thr756Ser (NM_001369512.1, NM_001369513.1); c.2263A>T, p.Thr755Ser (NM_001369514.1, NM_001369516.1, NM_003150.4); c.*47A>T (NM_001369517.1, NM_001369518.1, NM_001369519.1 and 4 more transcripts); c.2182A>T, p.Thr728Ser (NM_001384984.1); c.2188A>T, p.Thr730Ser (NM_001384985.1); c.2245A>T, p.Thr749Ser (NM_001384987.1); c.2170A>T, p.Thr724Ser (NM_001384988.1); c.2167A>T, p.Thr723Ser (NM_001384989.1); and 3 more; short protein forms T724S, T755S, T728S, T752S, T723S, T730S, T736S, T747S.
Identifiers: ClinVar variation 2951752 (VCV002951752.3), dbSNP rs2509100456, ClinGen allele CA399579135.
Genomic context (GRCh38, chr17:42,315,792, plus strand): 5'-CGTTCTCAGCTCCTCACATGGGGGAGGTAGCGCACTCCGAGGTCAACTCCATGTCAAAGG[T>A]GAGGGACTCTGGAGGGACAGACAGGGAAAACTAGTTCAGTTGTCCACCCTCTGCAACTGG-3'
Protein context (NP_644805.1, residues 746-766): PSAGGQFESL[Thr756Ser]FDMELTSECA